The following is an entry in ClinVar:

ClinVar aggregate classification (germline): Uncertain significance. Review status: criteria provided, multiple submitters, no conflicts (2 of 4 stars). 2 submissions from 2 submitters: Uncertain significance (2). Last evaluated 2024-05-28.

Conditions:
Inborn genetic diseases. Identifiers: MedGen C0950123, MeSH D030342.

Allele frequency attached by ClinVar (database versions not stated): TOPMed below 0.00001; gnomAD 0.00001.
gnomAD v4.1: 1 of 1,613,428 alleles (0.000062%); highest among the groups gnomAD compares: Admixed American, 0.0017%; no homozygotes.

Submissions (2):

Ambry Genetics
Classification: Uncertain significance for Inborn genetic diseases. Last evaluated: 2024-05-28. Review status: criteria provided, single submitter. Criteria: Ambry Variant Classification Scheme 2023. Collection method: clinical testing. Allele origin: germline.

Labcorp Genetics (formerly Invitae), Labcorp
Classification: Uncertain significance. Last evaluated: 2021-11-20. Review status: criteria provided, single submitter. Criteria: Invitae Variant Classification Sherloc (09022015). Collection method: clinical testing. Allele origin: germline.
Comment: In summary, the available evidence is currently insufficient to determine the role of this variant in disease. Therefore, it has been classified as a Variant of Uncertain Significance. Algorithms developed to predict the effect of missense changes on protein structure and function are either unavailable or do not agree on the potential impact of this missense change (SIFT: "Deleterious"; PolyPhen-2: "Benign"; Align-GVGD: "Class C0"). This variant has not been reported in the literature in individuals affected with ORC4-related conditions. This variant is not present in population databases (gnomAD no frequency). This sequence change replaces leucine, which is neutral and non-polar, with proline, which is neutral and non-polar, at codon 401 of the ORC4 protein (p.Leu401Pro).

NM_181741.4(ORC4):c.1202T>C (p.Leu401Pro)

Gene: ORC4 (origin recognition complex subunit 4; minus strand). Cytogenetic location: 2q23.1.
Variant type: single nucleotide variant.
Coding change: c.1202T>C on transcript NM_181741.4 (MANE Select); coding-DNA position 1202, T replaced by C.
Protein change: p.Leu401Pro; replaces leucine 401 with proline.
Molecular consequence: missense variant.
Genome position (GRCh38, 1-based): chr2:147,935,619, A>G on the plus strand (T>C on the coding strand, the complement: ORC4 is on the minus strand). VCF-style: chr2-147935619-A-G. GRCh37 (hg19) VCF-style: chr2-148693188-A-G.
Other names: c.1202T>C, p.Leu401Pro (NM_001190879.3, NM_001374270.1, NM_002552.5 and 1 more transcripts); c.950T>C, p.Leu317Pro (NM_001190881.3, NM_001374272.1); c.980T>C, p.Leu327Pro (NM_001190882.3); short protein forms L401P, L317P, L327P.
Identifiers: ClinVar variation 1400396 (VCV001400396.7), dbSNP rs1688005448, ClinGen allele CA348709675.